The following is an entry in ClinVar:

ClinVar aggregate classification (germline): Uncertain significance (1 of 4 stars; one submission).

Conditions:
Baller-Gerold syndrome (BGS). Also called: CRANIOSYNOSTOSIS WITH RADIAL DEFECTS. Identifiers: Orphanet 1225, MedGen C0265308, MONDO:0009039, OMIM 218600.

Allele frequency attached by ClinVar (database versions not stated): ExAC 0.00001; gnomAD exomes 0.00001; TOPMed 0.00002; gnomAD 0.00003.
gnomAD v4.1: 36 of 1,607,278 alleles (0.0022%); highest among the groups gnomAD compares: Middle Eastern, 0.016%; no homozygotes.

Submission:

Labcorp Genetics (formerly Invitae), Labcorp
Classification: Uncertain significance for Baller-Gerold syndrome. Last evaluated: 2026-01-26. Review status: criteria provided, single submitter. Criteria: Invitae Variant Classification Sherloc (09022015). Collection method: clinical testing. Allele origin: germline.
Comment: This sequence change replaces valine, which is neutral and non-polar, with isoleucine, which is neutral and non-polar, at codon 1080 of the RECQL4 protein (p.Val1080Ile). The frequency data for this variant in the population databases is considered unreliable, as metrics indicate poor data quality at this position in the gnomAD database. This variant has not been reported in the literature in individuals affected with RECQL4-related conditions. ClinVar contains an entry for this variant (Variation ID: 528951). Experimental studies and prediction algorithms are not available or were not evaluated, and the functional significance of this variant is currently unknown. In summary, the available evidence is currently insufficient to determine the role of this variant in disease. Therefore, it has been classified as a Variant of Uncertain Significance.

NM_004260.4(RECQL4):c.3238G>A (p.Val1080Ile)

Gene: RECQL4 (RecQ like helicase 4; minus strand). Cytogenetic location: 8q24.3.
Variant type: single nucleotide variant.
Coding change: c.3238G>A on transcript NM_004260.4 (MANE Select); coding-DNA position 3238, G replaced by A.
Protein change: p.Val1080Ile; replaces valine 1080 with isoleucine.
Molecular consequence: missense variant.
Genome position (GRCh38, 1-based): chr8:144,512,066, C>T on the plus strand (G>A on the coding strand, the complement: RECQL4 is on the minus strand). VCF-style: chr8-144512066-C-T. GRCh37 (hg19) VCF-style: chr8-145737449-C-T.
Other names: short protein forms V1080I.
Identifiers: ClinVar variation 528951 (VCV000528951.7), dbSNP rs760241032, ClinGen allele CA4947843.